The following is an entry in ClinVar:

NM_182919.4(TICAM1):c.1639C>G (p.Arg547Gly)

Gene: TICAM1 (TIR domain containing adaptor molecule 1; minus strand). Cytogenetic location: 19p13.3.
Variant type: single nucleotide variant.
Coding change: c.1639C>G on transcript NM_182919.4 (MANE Select); coding-DNA position 1639, C replaced by G.
Protein change: p.Arg547Gly; replaces arginine 547 with glycine.
Molecular consequence: missense variant.
Genome position (GRCh38, 1-based): chr19:4,816,739, G>C on the plus strand (C>G on the coding strand, the complement: TICAM1 is on the minus strand). VCF-style: chr19-4816739-G-C. GRCh37 (hg19) VCF-style: chr19-4816751-G-C.
Other names: c.1597C>G, p.Arg533Gly (NM_001385678.1); c.1504C>G, p.Arg502Gly (NM_001385679.1); c.997C>G, p.Arg333Gly (NM_001385680.1); short protein forms R333G, R502G, R547G, R533G.
Identifiers: ClinVar variation 2062604 (VCV002062604.1), dbSNP rs774037288, ClinGen allele CA304547239.

ClinVar aggregate classification (germline): Uncertain significance (1 of 4 stars; one submission).

Conditions:
Encephalopathy, acute, infection-induced (herpes-specific), susceptibility to, 6. Also called: Herpes simplex encephalitis, susceptibility to, 4. Identifiers: Orphanet 1930, MedGen C3553869, MONDO:0013921, OMIM 614850.

Allele frequency attached by ClinVar (database versions not stated): gnomAD exomes below 0.00001; TOPMed 0.00001.
gnomAD v4.1: 4 of 1,613,734 alleles (0.00025%); highest among the groups gnomAD compares: Admixed American, 0.005%; no homozygotes.

Submission:

Labcorp Genetics (formerly Invitae), Labcorp
Classification: Uncertain significance for Encephalopathy, acute, infection-induced (herpes-specific), susceptibility to, 6. Last evaluated: 2022-06-17. Review status: criteria provided, single submitter. Criteria: Invitae Variant Classification Sherloc (09022015). Collection method: clinical testing. Allele origin: germline.
Comment: This sequence change replaces arginine, which is basic and polar, with glycine, which is neutral and non-polar, at codon 547 of the TICAM1 protein (p.Arg547Gly). This variant is present in population databases (rs774037288, gnomAD 0.006%). This variant has not been reported in the literature in individuals affected with TICAM1-related conditions. Algorithms developed to predict the effect of missense changes on protein structure and function are either unavailable or do not agree on the potential impact of this missense change (SIFT: "Deleterious"; PolyPhen-2: "Probably Damaging"; Align-GVGD: "Class C15"). In summary, the available evidence is currently insufficient to determine the role of this variant in disease. Therefore, it has been classified as a Variant of Uncertain Significance.